The following is an entry in ClinVar:

ClinVar aggregate classification (germline): Uncertain significance (1 of 4 stars; one submission).

Submission:

Labcorp Genetics (formerly Invitae), Labcorp
Classification: Uncertain significance. Last evaluated: 2021-04-29. Review status: criteria provided, single submitter. Criteria: Invitae Variant Classification Sherloc (09022015). Collection method: clinical testing. Allele origin: germline.
Comment: This variant has not been reported in the literature in individuals with DTNBP1-related conditions. In summary, the available evidence is currently insufficient to determine the role of this variant in disease. Therefore, it has been classified as a Variant of Uncertain Significance. Experimental studies and prediction algorithms are not available or were not evaluated, and the functional significance of this variant is currently unknown. This variant is not present in population databases (ExAC no frequency). This variant, c.305_313del, results in the deletion of 3 amino acid(s) of the DTNBP1 protein (p.Gln102_Leu104del), but otherwise preserves the integrity of the reading frame.

NM_032122.5(DTNBP1):c.296AGCAGCTCC[1] (p.Gln102_Leu104del)

Gene: DTNBP1 (dystrobrevin binding protein 1; minus strand). Cytogenetic location: 6p22.3.
Variant type: Microsatellite.
Coding change: c.296AGCAGCTCC[1] on transcript NM_032122.5 (MANE Select); one copy of the 9-base unit AGCAGCTCC starting at c.296; the reference has two copies in a row; one copy, 9 bases deleted.
Protein change: p.Gln102_Leu104del.
Molecular consequence: inframe deletion. On other transcripts: non-coding transcript variant (1).
Genome position (GRCh38, 1-based): chr6:15,627,385-15,627,393, GGAGCTGCT deleted on the plus strand (AGCAGCTCC on the coding strand, the reverse complement: DTNBP1 is on the minus strand); deleting any 9 consecutive bases within chr6:15,627,385-15,627,402 gives the same sequence; the position shown is the placement nearest the transcript's 3' end. VCF-style (leftmost placement, unchanged base first): chr6-15627384-GGGAGCTGCT-G. GRCh37 (hg19) VCF-style: chr6-15627615-GGGAGCTGCT-G.
Other names: c.53AGCAGCTCC[1], p.Gln21_Leu23del (NM_001271667.2); c.245AGCAGCTCC[1], p.Gln85_Leu87del (NM_001271668.2); c.191AGCAGCTCC[1], p.Gln67_Leu69del (NM_001271669.2); c.296AGCAGCTCC[1], p.Gln102_Leu104del (NM_183040.2).
Identifiers: ClinVar variation 1408024 (VCV001408024.8), dbSNP rs1250089628, ClinGen allele CA2580614839.